The following is an entry in ClinVar:

ClinVar aggregate classification (germline): Likely pathogenic (1 of 4 stars; one submission).

Conditions:
Autosomal recessive polycystic kidney disease (ARPKD). Also called: AR polycystic kidney disease. Identifiers: Orphanet 731, Orphanet 8378, MedGen C0085548, MeSH D017044, MONDO:0009889.

Submission:

Natera, Inc.
Classification: Likely pathogenic for Autosomal recessive polycystic kidney disease. Last evaluated: 2025-12-17. Review status: criteria provided, single submitter. Criteria: Natera Variant Classification Schema (03/2026). Collection method: clinical testing. Allele origin: germline.
Comment: The c.8428G>T variant in PKHD1 is a nonsense variant predicted to introduce a stop codon at amino acid 2810. This variant is expected to result in nonsense mediated decay, truncation, or a dysfunctional protein product. This variant is rare in the general population with a frequency below the threshold expected for the associated phenotype(s). Given the available evidence, this variant is classified as Likely Pathogenic.

NM_138694.4(PKHD1):c.8428G>T (p.Glu2810Ter)

Gene: PKHD1 (PKHD1 ciliary IPT domain containing fibrocystin/polyductin; minus strand). Cytogenetic location: 6p12.3.
Variant type: single nucleotide variant.
Coding change: c.8428G>T on transcript NM_138694.4 (MANE Select); coding-DNA position 8428, G replaced by T.
Protein change: p.Glu2810Ter; replaces glutamic acid 2810 with a stop codon.
Molecular consequence: nonsense.
Genome position (GRCh38, 1-based): chr6:51,791,248, C>A on the plus strand (G>T on the coding strand, the complement: PKHD1 is on the minus strand). VCF-style: chr6-51791248-C-A. GRCh37 (hg19) VCF-style: chr6-51656046-C-A.
Other names: c.8428G>T, p.Glu2810Ter (NM_170724.3); short protein forms E2810*.
Identifiers: ClinVar variation 4816769 (VCV004816769.1).